The following is an entry in ClinVar:

ClinVar aggregate classification (germline): Benign/Likely benign. Review status: criteria provided, multiple submitters, no conflicts (2 of 4 stars). 4 submissions from 4 submitters: Benign (2); Likely benign (2). Last evaluated 2025-11-27.

Conditions:
Retinal dystrophy. Also called: Inherited retinal dystrophy. Identifiers: Orphanet 71862, MedGen C0854723, MeSH D058499, MONDO:0019118, HP:0000556.
PRPF8-related disorder. Also called: PRPF8-related condition.

Allele frequency attached by ClinVar (database versions not stated): gnomAD exomes 0.00003; gnomAD 0.00004; TOPMed 0.00005; 1000 Genomes Project 30x 0.00016; ExAC 0.00016; 1000 Genomes Project 0.00020.
gnomAD v4.1: 56 of 1,614,114 alleles (0.0035%); highest among the groups gnomAD compares: East Asian, 0.12%; no homozygotes.

Submissions (4):

Labcorp Genetics (formerly Invitae), Labcorp
Classification: Benign. Last evaluated: 2025-11-27. Review status: criteria provided, single submitter. Criteria: Invitae Variant Classification Sherloc (09022015). Collection method: clinical testing. Allele origin: germline.

PreventionGenetics, part of Exact Sciences
Classification: Likely benign for PRPF8-related condition. Last evaluated: 2024-11-26. Review status: criteria provided, single submitter. Criteria: ACMG Guidelines, 2015. Collection method: clinical testing. Allele origin: germline.
Comment: This variant is classified as likely benign based on ACMG/AMP sequence variant interpretation guidelines (Richards et al. 2015 PMID: 25741868, with internal and published modifications).

Blueprint Genetics
Classification: Likely benign. Last evaluated: 2024-06-17. Review status: criteria provided, single submitter. Criteria: ACMG Guidelines, 2015. Collection method: clinical testing. Allele origin: germline.

Dept Of Ophthalmology, Nagoya University
Classification: Benign for Retinal dystrophy. Last evaluated: 2023-10-01. Review status: criteria provided, single submitter. Criteria: Submitter's publication. Collection method: research. Allele origin: germline. Affected: yes.

NM_006445.4(PRPF8):c.5061C>T (p.Tyr1687=)

Gene: PRPF8 (pre-mRNA processing factor 8; minus strand). Cytogenetic location: 17p13.3.
Variant type: single nucleotide variant.
Coding change: c.5061C>T on transcript NM_006445.4 (MANE Select); coding-DNA position 5061, C replaced by T.
Protein change: p.Tyr1687=; no amino-acid change (tyrosine 1687 retained).
Molecular consequence: synonymous variant.
Genome position (GRCh38, 1-based): chr17:1,659,434, G>A on the plus strand (C>T on the coding strand, the complement: PRPF8 is on the minus strand). VCF-style: chr17-1659434-G-A. GRCh37 (hg19) VCF-style: chr17-1562728-G-A.
Other names: c.5061C>T (NM_006445.3).
Identifiers: ClinVar variation 2176545 (VCV002176545.7), dbSNP rs199723847, ClinGen allele CA8271534.